The following is an entry in ClinVar:

NM_001042750.2(STAG2):c.3578T>C (p.Ile1193Thr)

Gene: STAG2 (STAG2 cohesin complex component; plus strand). Cytogenetic location: Xq25.
Variant type: single nucleotide variant.
Coding change: c.3578T>C on transcript NM_001042750.2 (MANE Select); coding-DNA position 3578, T replaced by C.
Protein change: p.Ile1193Thr; replaces isoleucine 1193 with threonine.
Molecular consequence: missense variant. On other transcripts: intron variant (15).
Genome position (GRCh38, 1-based): chrX:124,090,964, T>C. VCF-style: chrX-124090964-T-C. GRCh37 (hg19) VCF-style: chrX-123224814-T-C.
Other names: c.3578T>C, p.Ile1193Thr (NM_001042749.2, NM_001375366.1, NM_001375367.1 and 8 more transcripts); c.3467+200T>C (NM_001441077.1, NM_001375373.1, NM_001441078.1 and 12 more transcripts); short protein forms I1193T.
Identifiers: ClinVar variation 4082940 (VCV004082940.1).

ClinVar aggregate classification (germline): Uncertain significance (1 of 4 stars; one submission).

gnomAD v4.1: 2 of 1,172,054 alleles (0.00017%); highest among the groups gnomAD compares: Non-Finnish European, 0.00023%; no homozygotes.

Submission:

GeneDx
Classification: Uncertain significance. Last evaluated: 2025-03-03. Review status: criteria provided, single submitter. Criteria: GeneDx Variant Classification Process June 2021. Collection method: clinical testing. Allele origin: germline. Affected: yes.
Comment: Not observed at significant frequency in large population cohorts (gnomAD); In silico analysis indicates that this missense variant does not alter protein structure/function; Has not been previously published as pathogenic or benign to our knowledge